The following is an entry in ClinVar:

ClinVar aggregate classification (germline): Uncertain significance. Review status: criteria provided, multiple submitters, no conflicts (2 of 4 stars). 3 submissions from 3 submitters: Uncertain significance (3). Last evaluated 2025-11-12.

Conditions:
Levy-Hollister syndrome (LADD). Also called: LADD syndrome. Identifiers: Orphanet 2363, MedGen C0265269, MONDO:0007872.
Inborn genetic diseases. Identifiers: MedGen C0950123, MeSH D030342.
FGF10-related disorder. Also called: FGF10-related condition.

Submissions (3):

Ambry Genetics
Classification: Uncertain significance for Inborn genetic diseases. Last evaluated: 2025-11-12. Review status: criteria provided, single submitter. Criteria: Ambry Variant Classification Scheme 2023. Collection method: clinical testing. Allele origin: germline.

PreventionGenetics, part of Exact Sciences
Classification: Uncertain significance for FGF10-related condition. Last evaluated: 2023-08-03. Review status: criteria provided, single submitter. Criteria: ACMG Guidelines, 2015. Collection method: clinical testing. Allele origin: germline.
Comment: The FGF10 c.541A>C variant is predicted to result in the amino acid substitution p.Asn181His. To our knowledge, this variant has not been reported in the literature or in a large population database, indicating this variant is rare. At this time, the clinical significance of this variant is uncertain due to the absence of conclusive functional and genetic evidence.

Center for Human Genetics, Inc
Classification: Uncertain significance for Levy-Hollister syndrome. Last evaluated: 2016-11-01. Review status: criteria provided, single submitter. Criteria: ACMG Guidelines, 2015. Collection method: clinical testing. Allele origin: germline. Affected: yes.

NM_004465.2(FGF10):c.541A>C (p.Asn181His)

Gene: FGF10 (fibroblast growth factor 10; minus strand). Cytogenetic location: 5p12.
Variant type: single nucleotide variant.
Coding change: c.541A>C on transcript NM_004465.2 (MANE Select); coding-DNA position 541, A replaced by C.
Protein change: p.Asn181His; replaces asparagine 181 with histidine.
Molecular consequence: missense variant.
Genome position (GRCh38, 1-based): chr5:44,305,081, T>G on the plus strand (A>C on the coding strand, the complement: FGF10 is on the minus strand). VCF-style: chr5-44305081-T-G. GRCh37 (hg19) VCF-style: chr5-44305183-T-G.
Other names: short protein forms N181H.
Identifiers: ClinVar variation 547376 (VCV000547376.3), dbSNP rs1332768200, ClinGen allele CA359697655.